The following is an entry in ClinVar:

ClinVar aggregate classification (germline): Likely pathogenic (1 of 4 stars; one submission).

Submission:

Quest Diagnostics Nichols Institute San Juan Capistrano
Classification: Likely pathogenic. Last evaluated: 2024-11-15. Review status: criteria provided, single submitter. Criteria: Quest Diagnostics criteria. Collection method: clinical testing. Allele origin: unknown.
Comment: The NF1 c.3095del (p.Cys1032Serfs*4) variant alters the translational reading frame of the NF1 mRNA and is predicted to cause the premature termination of NF1 protein synthesis. This variant has not been reported in individuals with NF1-related conditions in the published literature. This variant has not been reported in large, multi-ethnic general populations (Genome Aggregation Database). Based on the available information, this variant is classified as likely pathogenic.

NM_001042492.3(NF1):c.3095del (p.Cys1032fs)

Gene: NF1 (neurofibromin 1; plus strand). Cytogenetic location: 17q11.2.
Variant type: Deletion.
Coding change: c.3095del on transcript NM_001042492.3 (MANE Select); coding-DNA position 3095, one base deleted (G; older notation c.3095delG).
Protein change: p.Cys1032fs; shifts the reading frame from cysteine 1032.
Molecular consequence: frameshift variant.
Genome position (GRCh38, 1-based): chr17:31,230,364, G deleted. VCF-style (leftmost placement, unchanged base first): chr17-31230363-TG-T. GRCh37 (hg19) VCF-style: chr17-29557381-TG-T.
Other names: c.3095delG, p.Cys1032Serfs (NM_000267.4); short protein forms C1032fs.
Identifiers: ClinVar variation 3572030 (VCV003572030.2).